The following is an entry in ClinVar:

NM_173076.3(ABCA12):c.6962+5G>A

Genes: ABCA12 (ATP binding cassette subfamily A member 12; minus strand), SNHG31 (small nucleolar RNA host gene 31; plus strand). Cytogenetic location: 2q35.
Variant type: single nucleotide variant.
Coding change: c.6962+5G>A on transcript NM_173076.3 (MANE Select); 5 bases into the intron after coding-DNA position 6962, G replaced by A.
Molecular consequence: intron variant.
Genome position (GRCh38, 1-based): chr2:214,949,035, C>T on the plus strand (G>A on the coding strand, the complement: ABCA12 is on the minus strand). VCF-style: chr2-214949035-C-T. GRCh37 (hg19) VCF-style: chr2-215813759-C-T.
Other names: c.6008+5G>A (NM_015657.4).
Identifiers: ClinVar variation 899203 (VCV000899203.17), dbSNP rs201877187, ClinGen allele CA2090786.

ClinVar aggregate classification (germline): Uncertain significance. Review status: criteria provided, multiple submitters, no conflicts (2 of 4 stars). 4 submissions from 4 submitters: Uncertain significance (4). Last evaluated 2025-06-01.

Conditions:
Congenital ichthyosis of skin. Identifiers: MedGen C0020758.

Allele frequency attached by ClinVar (database versions not stated): ExAC 0.00023; gnomAD exomes 0.00026 and 0.00060; gnomAD 0.00030 and 0.00033; ESP Exome Variant Server 0.00031; TOPMed 0.00044.
gnomAD v4.1: 900 of 1,608,376 alleles (0.056%); highest among the groups gnomAD compares: Non-Finnish European, 0.072%; no homozygotes.

Submissions (5):

CeGaT Center for Human Genetics Tuebingen
Classification: Uncertain significance. Last evaluated: 2025-06-01. Review status: criteria provided, single submitter. Criteria: CeGaT Center For Human Genetics Tuebingen Variant Classification Criteria Version 2. Collection method: clinical testing. Allele origin: germline. Affected: yes. Observed: 1 variant allele.
Comment: ABCA12: PM2, BP4

Women's Health and Genetics/Laboratory Corporation of America, LabCorp
Classification: Uncertain significance. Last evaluated: 2024-07-21. Review status: criteria provided, single submitter. Criteria: LabCorp Variant Classification Summary - May 2015. Collection method: clinical testing. Allele origin: germline.

Labcorp Genetics (formerly Invitae), Labcorp
Classification: Uncertain significance. Last evaluated: 2022-06-22. Review status: criteria provided, single submitter. Criteria: Invitae Variant Classification Sherloc (09022015). Collection method: clinical testing. Allele origin: germline.
Comment: This sequence change falls in intron 46 of the ABCA12 gene. It does not directly change the encoded amino acid sequence of the ABCA12 protein. It affects a nucleotide within the consensus splice site. This variant is present in population databases (rs201877187, gnomAD 0.04%). This variant has not been reported in the literature in individuals affected with ABCA12-related conditions. ClinVar contains an entry for this variant (Variation ID: 899203). Variants that disrupt the consensus splice site are a relatively common cause of aberrant splicing (PMID: 17576681, 9536098). Algorithms developed to predict the effect of sequence changes on RNA splicing suggest that this variant is not likely to affect RNA splicing. In summary, the available evidence is currently insufficient to determine the role of this variant in disease. Therefore, it has been classified as a Variant of Uncertain Significance.

Illumina Laboratory Services, Illumina
Classification: Uncertain significance for Congenital ichthyosis of skin. Last evaluated: 2018-01-13. Review status: criteria provided, single submitter. Criteria: ICSL Variant Classification Criteria 13 December 2019. Collection method: clinical testing. Allele origin: germline.

Dr. Peter K. Rogan Lab, Western University
No classification provided (evidence only). Condition: Familial cancer of breast. Review status: no classification provided. Collection method: in vitro. Allele origin: not applicable. Functional consequence: retained intron. Not counted in ClinVar's aggregate classification.

Literature cited by the submitters: PubMed 17576681 (cited by Labcorp Genetics (formerly Invitae), Labcorp); PubMed 9536098 (cited by Labcorp Genetics (formerly Invitae), Labcorp).